The following is an entry in ClinVar:

NM_014727.3(KMT2B):c.4782G>A (p.Glu1594=)

Gene: KMT2B (lysine methyltransferase 2B; plus strand). Cytogenetic location: 19q13.12.
Variant type: single nucleotide variant.
Coding change: c.4782G>A on transcript NM_014727.3 (MANE Select); coding-DNA position 4782, G replaced by A.
Protein change: p.Glu1594=; no amino-acid change (glutamic acid 1594 retained).
Molecular consequence: synonymous variant.
Genome position (GRCh38, 1-based): chr19:35,729,161, G>A. VCF-style: chr19-35729161-G-A. GRCh37 (hg19) VCF-style: chr19-36220062-G-A.
Identifiers: ClinVar variation 3019836 (VCV003019836.3), dbSNP rs757242940, ClinGen allele CA9385221.

ClinVar aggregate classification (germline): Uncertain significance (1 of 4 stars; one submission).

Allele frequency attached by ClinVar (database versions not stated): ExAC 0.00001; gnomAD 0.00001; TOPMed 0.00001; gnomAD exomes below 0.00001.

Submission:

Labcorp Genetics (formerly Invitae), Labcorp
Classification: Uncertain significance. Last evaluated: 2025-06-12. Review status: criteria provided, single submitter. Criteria: Invitae Variant Classification Sherloc (09022015). Collection method: clinical testing. Allele origin: germline.
Comment: This sequence change affects codon 1594 of the KMT2B mRNA. It is a 'silent' change, meaning that it does not change the encoded amino acid sequence of the KMT2B protein. The frequency data for this variant in the population databases is considered unreliable, as metrics indicate poor data quality at this position in the gnomAD database. This variant has not been reported in the literature in individuals affected with KMT2B-related conditions. ClinVar contains an entry for this variant (Variation ID: 3019836). Algorithms developed to predict the effect of sequence changes on RNA splicing suggest that this variant may create or strengthen a splice site. In summary, the available evidence is currently insufficient to determine the role of this variant in disease. Therefore, it has been classified as a Variant of Uncertain Significance.